The following is an entry in ClinVar:

NM_000843.4(GRM6):c.2050C>T (p.Arg684Cys)

Genes: GRM6 (glutamate metabotropic receptor 6; minus strand), ZNF454 (zinc finger protein 454; plus strand). Cytogenetic location: 5q35.3.
Variant type: single nucleotide variant.
Coding change: c.2050C>T on transcript NM_000843.4 (MANE Select); coding-DNA position 2050, C replaced by T.
Protein change: p.Arg684Cys; replaces arginine 684 with cysteine.
Molecular consequence: missense variant.
Genome position (GRCh38, 1-based): chr5:178,986,204, G>A on the plus strand (C>T on the coding strand, the complement: GRM6 is on the minus strand). VCF-style: chr5-178986204-G-A. GRCh37 (hg19) VCF-style: chr5-178413205-G-A.
Other names: short protein forms R684C.
Identifiers: ClinVar variation 943568 (VCV000943568.7), dbSNP rs199591107, ClinGen allele CA3593848.

ClinVar aggregate classification (germline): Uncertain significance. Review status: criteria provided, multiple submitters, no conflicts (2 of 4 stars). 3 submissions from 3 submitters: Uncertain significance (3). Last evaluated 2024-12-26.

Conditions:
Inborn genetic diseases. Identifiers: MedGen C0950123, MeSH D030342.

Allele frequency attached by ClinVar (database versions not stated): ESP Exome Variant Server 0.00008; TOPMed 0.00011; ExAC 0.00013; gnomAD exomes 0.00014 and 0.00028; gnomAD 0.00015 and 0.00018.
gnomAD v4.1: 431 of 1,613,966 alleles (0.027%); highest among the groups gnomAD compares: Middle Eastern, 0.049%; no homozygotes.

Submissions (3):

Labcorp Genetics (formerly Invitae), Labcorp
Classification: Uncertain significance. Last evaluated: 2024-12-26. Review status: criteria provided, single submitter. Criteria: Invitae Variant Classification Sherloc (09022015). Collection method: clinical testing. Allele origin: germline.
Comment: This sequence change replaces arginine, which is basic and polar, with cysteine, which is neutral and slightly polar, at codon 684 of the GRM6 protein (p.Arg684Cys). This variant is present in population databases (rs199591107, gnomAD 0.03%). This variant has not been reported in the literature in individuals affected with GRM6-related conditions. ClinVar contains an entry for this variant (Variation ID: 943568). Invitae Evidence Modeling of protein sequence and biophysical properties (such as structural, functional, and spatial information, amino acid conservation, physicochemical variation, residue mobility, and thermodynamic stability) has been performed for this missense variant. However, the output from this modeling did not meet the statistical confidence thresholds required to predict the impact of this variant on GRM6 protein function. In summary, the available evidence is currently insufficient to determine the role of this variant in disease. Therefore, it has been classified as a Variant of Uncertain Significance.

Blueprint Genetics
Classification: Uncertain significance. Last evaluated: 2024-09-14. Review status: criteria provided, single submitter. Criteria: ACMG Guidelines, 2015. Collection method: clinical testing. Allele origin: germline.

Ambry Genetics
Classification: Uncertain significance for Inborn genetic diseases. Last evaluated: 2023-12-08. Review status: criteria provided, single submitter. Criteria: Ambry Variant Classification Scheme 2023. Collection method: clinical testing. Allele origin: germline.